The following is an entry in ClinVar:

ClinVar aggregate classification (germline): Uncertain significance (1 of 4 stars; one submission).

gnomAD v4.1: 2 of 1,613,850 alleles (0.00012%); highest among the groups gnomAD compares: African/African-American, 0.0013%; no homozygotes.

Submission:

Labcorp Genetics (formerly Invitae), Labcorp
Classification: Uncertain significance. Last evaluated: 2025-09-13. Review status: criteria provided, single submitter. Criteria: Invitae Variant Classification Sherloc (09022015). Collection method: clinical testing. Allele origin: germline.
Comment: This sequence change replaces alanine, which is neutral and non-polar, with threonine, which is neutral and polar, at codon 1401 of the ROBO1 protein (p.Ala1401Thr). This variant is not present in population databases (gnomAD no frequency). This variant has not been reported in the literature in individuals affected with ROBO1-related conditions. ClinVar contains an entry for this variant (Variation ID: 3669066). Invitae Evidence Modeling of protein sequence and biophysical properties (such as structural, functional, and spatial information, amino acid conservation, physicochemical variation, residue mobility, and thermodynamic stability) indicates that this missense variant is not expected to disrupt ROBO1 protein function with a negative predictive value of 95%. In summary, the available evidence is currently insufficient to determine the role of this variant in disease. Therefore, it has been classified as a Variant of Uncertain Significance.

NM_002941.4(ROBO1):c.4201G>A (p.Ala1401Thr)

Gene: ROBO1 (roundabout guidance receptor 1; minus strand). Cytogenetic location: 3p12.3.
Variant type: single nucleotide variant.
Coding change: c.4201G>A on transcript NM_002941.4 (MANE Select); coding-DNA position 4201, G replaced by A.
Protein change: p.Ala1401Thr; replaces alanine 1401 with threonine.
Molecular consequence: missense variant.
Genome position (GRCh38, 1-based): chr3:78,617,716, C>T on the plus strand (G>A on the coding strand, the complement: ROBO1 is on the minus strand). VCF-style: chr3-78617716-C-T. GRCh37 (hg19) VCF-style: chr3-78666866-C-T.
Other names: c.3901G>A, p.Ala1301Thr (NM_001145845.2); c.4066G>A, p.Ala1356Thr (NM_133631.4); short protein forms A1356T, A1401T, A1301T.
Identifiers: ClinVar variation 3669066 (VCV003669066.2).
Genomic context (GRCh38, chr3:78,617,716, plus strand): 5'-GTCGTGCTACTTTCAGACCAGCATACTCTGCCGCTGCTGCGACTGCCTGGGCAAAGTCAG[C>T]ATCAGTGAAAAAGGAGCCGTCCGAAGAACTAACACTGGAGCGTCCGCTGGAAATGTTGTC-3'
Protein context (NP_002932.1, residues 1391-1411): SSSDGSFFTD[Ala1401Thr]DFAQAVAAAA